The following is an entry in ClinVar:

ClinVar aggregate classification (germline): Uncertain significance. Review status: criteria provided, multiple submitters, no conflicts (2 of 4 stars). 2 submissions from 2 submitters: Uncertain significance (2). Last evaluated 2025-05-16.

Conditions:
Inborn genetic diseases. Identifiers: MedGen C0950123, MeSH D030342.
Fanconi anemia complementation group G. Also called: FANCG-Related Fanconi Anemia; Fanconi anemia group G. Identifiers: Orphanet 84, MedGen C3469527, MONDO:0013565, OMIM 614082.

gnomAD v4.1: 3 of 1,606,566 alleles (0.00019%); highest among the groups gnomAD compares: Non-Finnish European, 0.00025%; no homozygotes.

Submissions (2):

Ambry Genetics
Classification: Uncertain significance for Inborn genetic diseases. Last evaluated: 2025-05-16. Review status: criteria provided, single submitter. Criteria: Ambry Variant Classification Scheme 2023. Collection method: clinical testing. Allele origin: germline.
Comment: The p.A30S variant (also known as c.88G>T), located in coding exon 2 of the FANCG gene, results from a G to T substitution at nucleotide position 88. The alanine at codon 30 is replaced by serine, an amino acid with similar properties. This amino acid position is conserved. In addition, this alteration is predicted to be tolerated by in silico analysis. Based on the available evidence, the clinical significance of this variant remains unclear.

Fulgent Genetics
Classification: Uncertain significance for Fanconi anemia complementation group G. Last evaluated: 2024-06-17. Review status: criteria provided, single submitter. Criteria: ACMG Guidelines, 2015. Collection method: clinical testing. Allele origin: germline.

NM_004629.2(FANCG):c.88G>T (p.Ala30Ser)

Gene: FANCG (FA complementation group G; minus strand). Cytogenetic location: 9p13.3.
Variant type: single nucleotide variant.
Coding change: c.88G>T on transcript NM_004629.2 (MANE Select); coding-DNA position 88, G replaced by T.
Protein change: p.Ala30Ser; replaces alanine 30 with serine.
Molecular consequence: missense variant.
Genome position (GRCh38, 1-based): chr9:35,079,238, C>A on the plus strand (G>T on the coding strand, the complement: FANCG is on the minus strand). VCF-style: chr9-35079238-C-A. GRCh37 (hg19) VCF-style: chr9-35079235-C-A.
Other names: short protein forms A30S.
Identifiers: ClinVar variation 3597302 (VCV003597302.2).